The following is an entry in ClinVar:

ClinVar aggregate classification (germline): Uncertain significance (0 of 4 stars; one submission).

Conditions:
CASR-related disorder. Also called: CASR-related condition.

Submission:

PreventionGenetics, part of Exact Sciences
Classification: Uncertain significance for CASR-related condition. Last evaluated: 2023-12-06. Review status: no assertion criteria provided. Collection method: clinical testing. Allele origin: germline.
Comment: The CASR c.2003T>C variant is predicted to result in the amino acid substitution p.Leu668Pro. To our knowledge, this variant has not been reported in the literature or in a large population database, indicating this variant is rare. At this time, the clinical significance of this variant is uncertain due to the absence of conclusive functional and genetic evidence.

NM_000388.4(CASR):c.1973T>C (p.Leu658Pro)

Gene: CASR (calcium sensing receptor; plus strand). Cytogenetic location: 3q21.1.
Variant type: single nucleotide variant.
Coding change: c.1973T>C on transcript NM_000388.4 (MANE Select); coding-DNA position 1973, T replaced by C.
Protein change: p.Leu658Pro; replaces leucine 658 with proline.
Molecular consequence: missense variant.
Genome position (GRCh38, 1-based): chr3:122,283,927, T>C. VCF-style: chr3-122283927-T-C. GRCh37 (hg19) VCF-style: chr3-122002774-T-C.
Other names: c.2003T>C, p.Leu668Pro (NM_001178065.2); short protein forms L658P, L668P.
Identifiers: ClinVar variation 2631252 (VCV002631252.3), dbSNP rs2473277233, ClinGen allele CA354158213.